The following is an entry in ClinVar:

NM_000516.7(GNAS):c.432+5G>A

Gene: GNAS (GNAS complex locus; plus strand). Cytogenetic location: 20q13.32.
Variant type: single nucleotide variant.
Coding change: c.432+5G>A on transcript NM_000516.7 (MANE Select); 5 bases into the intron after coding-DNA position 432, G replaced by A.
Molecular consequence: intron variant.
Genome position (GRCh38, 1-based): chr20:58,903,796, G>A. VCF-style: chr20-58903796-G-A. GRCh37 (hg19) VCF-style: chr20-57478851-G-A.
Other names: c.*338+5G>A (NM_016592.5); c.336+5G>A (NM_001410912.1); c.255+5G>A (NM_001309861.2, NM_001309840.2); c.*293+5G>A (NM_001077490.3); c.2361+5G>A (NM_080425.4); c.2316+5G>A (NM_001410913.1); c.435+5G>A (NM_001077488.5); c.390+5G>A (NM_080426.4); and 1 more.
Identifiers: ClinVar variation 3366286 (VCV003366286.1).

ClinVar aggregate classification (germline): Likely pathogenic (1 of 4 stars; one submission).

Conditions:
Pseudohypoparathyroidism type I A (PHP1A). Also called: PHP IA; Pseudohypoparathyroidism type 1A; ALBRIGHT HEREDITARY OSTEODYSTROPHY WITH MULTIPLE HORMONE RESISTANCE; Pseudohypoparathyroidism Type IA; Pseudohypoparathyroidism Ia (PHP-Ia). Identifiers: Orphanet 79443, MedGen C3494506, MONDO:0007078, OMIM 103580.

Submission:

Institute for Genomic Medicine, Nationwide Children's Hospital
Classification: Likely pathogenic for Pseudohypoparathyroidism type I A. Last evaluated: 2024-10-23. Review status: criteria provided, single submitter. Criteria: ACMG Guidelines, 2015. Collection method: research. Allele origin: inherited, de novo. Inheritance: Autosomal dominant inheritance. Affected: yes. Observed: 4 variant alleles. Clinical features observed: Short stature (HP:0004322), Scoliosis (HP:0002650), Brachydactyly (HP:0001156).
Comment: It is absent from gnomADv4.1, All Of Us, and RGC-ME databases, making it extremely rare. Although it does not affect the splice donor site, this variant alters the conserved +5 base after exon 5 and is predicted to disrupt splicing by SpliceAI and Pangolin. RNA-Seq of patient blood demonstrated multiple splicing abnormalities (exon 5 skipping, intron 5 retention, and activation of cryptic splice donor sites). We interpret this variant as Likely Pathogenic.

Literature cited by the submitters: PubMed 33270042.